The following is an entry in ClinVar:

ClinVar aggregate classification (germline): Uncertain significance (1 of 4 stars; one submission).

Conditions:
Cardiovascular phenotype. Identifiers: MedGen CN230736.

Submission:

Ambry Genetics
Classification: Uncertain significance for Cardiovascular phenotype. Last evaluated: 2025-01-16. Review status: criteria provided, single submitter. Criteria: Ambry Variant Classification Scheme 2023. Collection method: clinical testing. Allele origin: germline.
Comment: The p.G1520V variant (also known as c.4559G>T), located in coding exon 2 of the ZNF469 gene, results from a G to T substitution at nucleotide position 4559. The glycine at codon 1520 is replaced by valine, an amino acid with dissimilar properties. This amino acid position is conserved. In addition, this alteration is predicted to be tolerated by in silico analysis. Based on the available evidence, the clinical significance of this variant remains unclear.

NM_001367624.2(ZNF469):c.4643G>T (p.Gly1548Val)

Gene: ZNF469 (zinc finger protein 469; plus strand). Cytogenetic location: 16q24.2.
Variant type: single nucleotide variant.
Coding change: c.4643G>T on transcript NM_001367624.2 (MANE Select); coding-DNA position 4643, G replaced by T.
Protein change: p.Gly1548Val; replaces glycine 1548 with valine.
Molecular consequence: missense variant.
Genome position (GRCh38, 1-based): chr16:88,432,113, G>T. VCF-style: chr16-88432113-G-T. GRCh37 (hg19) VCF-style: chr16-88498521-G-T.
Other names: NM_001127464.1:c.4559G>T; short protein forms G1548V.
Identifiers: ClinVar variation 3821118 (VCV003821118.1).